The following is an entry in ClinVar:

NM_000257.4(MYH7):c.1556C>G (p.Ala519Gly)

Gene: MYH7 (myosin heavy chain 7; minus strand). Cytogenetic location: 14q11.2.
Variant type: single nucleotide variant.
Coding change: c.1556C>G on transcript NM_000257.4 (MANE Select); coding-DNA position 1556, C replaced by G.
Protein change: p.Ala519Gly; replaces alanine 519 with glycine.
Molecular consequence: missense variant.
Genome position (GRCh38, 1-based): chr14:23,428,522, G>C on the plus strand (C>G on the coding strand, the complement: MYH7 is on the minus strand). VCF-style: chr14-23428522-G-C. GRCh37 (hg19) VCF-style: chr14-23897731-G-C.
Other names: c.1556C>G, p.Ala519Gly (NM_001407004.1); short protein forms A519G.
Identifiers: ClinVar variation 3636044 (VCV003636044.2).

ClinVar aggregate classification (germline): Uncertain significance (1 of 4 stars; one submission).

Conditions:
Hypertrophic cardiomyopathy. Also called: HYPERTROPHIC MYOCARDIOPATHY. Identifiers: Orphanet 217569, MedGen C0007194, MeSH D002312, MONDO:0005045, HP:0001639.

Submission:

Labcorp Genetics (formerly Invitae), Labcorp
Classification: Uncertain significance for Hypertrophic cardiomyopathy. Last evaluated: 2024-04-05. Review status: criteria provided, single submitter. Criteria: Invitae Variant Classification Sherloc (09022015). Collection method: clinical testing. Allele origin: germline.
Comment: This sequence change replaces alanine, which is neutral and non-polar, with glycine, which is neutral and non-polar, at codon 519 of the MYH7 protein (p.Ala519Gly). This variant is not present in population databases (gnomAD no frequency). This variant has not been reported in the literature in individuals affected with MYH7-related conditions. Advanced modeling of protein sequence and biophysical properties (such as structural, functional, and spatial information, amino acid conservation, physicochemical variation, residue mobility, and thermodynamic stability) performed at Invitae indicates that this missense variant is expected to disrupt MYH7 protein function with a positive predictive value of 95%. In summary, the available evidence is currently insufficient to determine the role of this variant in disease. Therefore, it has been classified as a Variant of Uncertain Significance.